The following is an entry in ClinVar:

NM_016013.4(NDUFAF1):c.221C>T (p.Ser74Phe)

Gene: NDUFAF1 (NADH:ubiquinone oxidoreductase complex assembly factor 1; minus strand). Cytogenetic location: 15q15.1.
Variant type: single nucleotide variant.
Coding change: c.221C>T on transcript NM_016013.4 (MANE Select); coding-DNA position 221, C replaced by T.
Protein change: p.Ser74Phe; replaces serine 74 with phenylalanine.
Molecular consequence: missense variant. On other transcripts: non-coding transcript variant (3).
Genome position (GRCh38, 1-based): chr15:41,396,839, G>A on the plus strand (C>T on the coding strand, the complement: NDUFAF1 is on the minus strand). VCF-style: chr15-41396839-G-A. GRCh37 (hg19) VCF-style: chr15-41689037-G-A.
Other names: c.221C>T, p.Ser74Phe (NM_001437486.1, NM_001437487.1, NM_001437488.1 and 2 more transcripts); short protein forms S74F.
Identifiers: ClinVar variation 4711167 (VCV004711167.1).

ClinVar aggregate classification (germline): Uncertain significance (1 of 4 stars; one submission).

gnomAD v4.1: 5 of 1,613,980 alleles (0.00031%); highest among the groups gnomAD compares: Non-Finnish European, 0.00042%; no homozygotes.

Submission:

Labcorp Genetics (formerly Invitae), Labcorp
Classification: Uncertain significance. Last evaluated: 2025-08-11. Review status: criteria provided, single submitter. Criteria: Invitae Variant Classification Sherloc (09022015). Collection method: clinical testing. Allele origin: germline.
Comment: This sequence change replaces serine, which is neutral and polar, with phenylalanine, which is neutral and non-polar, at codon 74 of the NDUFAF1 protein (p.Ser74Phe). This variant is not present in population databases (gnomAD no frequency). This variant has not been reported in the literature in individuals affected with NDUFAF1-related conditions. Invitae Evidence Modeling of protein sequence and biophysical properties (such as structural, functional, and spatial information, amino acid conservation, physicochemical variation, residue mobility, and thermodynamic stability) indicates that this missense variant is not expected to disrupt NDUFAF1 protein function with a negative predictive value of 80%. In summary, the available evidence is currently insufficient to determine the role of this variant in disease. Therefore, it has been classified as a Variant of Uncertain Significance.